The following is an entry in ClinVar:

ClinVar aggregate classification (germline): Uncertain significance. Review status: criteria provided, multiple submitters, no conflicts (2 of 4 stars). 2 submissions from 2 submitters: Uncertain significance (2). Last evaluated 2022-07-13.

Conditions:
Autosomal dominant hypocalcemia 1 (HYPOC1). Also called: HYPOCALCEMIA, FAMILIAL. Identifiers: MedGen C3715128, MONDO:0011013, OMIM 601198.
Familial hypocalciuric hypercalcemia (FHH). Also called: Familial benign hypercalcemia. Identifiers: Orphanet 405, MedGen C1809471, MONDO:0018458.
Nephrolithiasis/nephrocalcinosis. Identifiers: MedGen CN580796.

Allele frequency attached by ClinVar (database versions not stated): TOPMed below 0.00001; gnomAD 0.00001.
gnomAD v4.1: 1 of 1,613,620 alleles (0.000062%); highest among the groups gnomAD compares: Non-Finnish European, 0.000085%; no homozygotes.

Submissions (2):

Labcorp Genetics (formerly Invitae), Labcorp
Classification: Uncertain significance for Familial hypocalciuric hypercalcemia; Autosomal dominant hypocalcemia 1. Last evaluated: 2022-07-13. Review status: criteria provided, single submitter. Criteria: Invitae Variant Classification Sherloc (09022015). Collection method: clinical testing. Allele origin: germline.
Comment: In summary, the available evidence is currently insufficient to determine the role of this variant in disease. Therefore, it has been classified as a Variant of Uncertain Significance. Algorithms developed to predict the effect of missense changes on protein structure and function (SIFT, PolyPhen-2, Align-GVGD) all suggest that this variant is likely to be disruptive. This variant has not been reported in the literature in individuals affected with CASR-related conditions. This variant is not present in population databases (gnomAD no frequency). This sequence change replaces leucine, which is neutral and non-polar, with valine, which is neutral and non-polar, at codon 655 of the CASR protein (p.Leu655Val).

Ambry Genetics
Classification: Uncertain significance for Nephrolithiasis/nephrocalcinosis. Last evaluated: 2022-06-02. Review status: criteria provided, single submitter. Criteria: Ambry Variant Classification Scheme 2023. Collection method: clinical testing. Allele origin: germline.
Comment: The p.L655V variant (also known as c.1963C>G), located in coding exon 6 of the CASR gene, results from a C to G substitution at nucleotide position 1963. The leucine at codon 655 is replaced by valine, an amino acid with highly similar properties. This amino acid position is conserved. In addition, this alteration is predicted to be deleterious by in silico analysis. Since supporting evidence is limited at this time, the clinical significance of this alteration remains unclear.

NM_000388.4(CASR):c.1963C>G (p.Leu655Val)

Gene: CASR (calcium sensing receptor; plus strand). Cytogenetic location: 3q21.1.
Variant type: single nucleotide variant.
Coding change: c.1963C>G on transcript NM_000388.4 (MANE Select); coding-DNA position 1963, C replaced by G.
Protein change: p.Leu655Val; replaces leucine 655 with valine.
Molecular consequence: missense variant.
Genome position (GRCh38, 1-based): chr3:122,283,917, C>G. VCF-style: chr3-122283917-C-G. GRCh37 (hg19) VCF-style: chr3-122002764-C-G.
Other names: c.1993C>G, p.Leu665Val (NM_001178065.2); short protein forms L655V, L665V.
Identifiers: ClinVar variation 1783481 (VCV001783481.7), dbSNP rs1428632632, ClinGen allele CA354158171.